The following is an entry in ClinVar:

NM_182894.3(VSX2):c.667G>C (p.Gly223Arg)

Gene: VSX2 (visual system homeobox 2; plus strand). Cytogenetic location: 14q24.3.
Variant type: single nucleotide variant.
Coding change: c.667G>C on transcript NM_182894.3 (MANE Select); coding-DNA position 667, G replaced by C.
Protein change: p.Gly223Arg; replaces glycine 223 with arginine.
Molecular consequence: missense variant.
Genome position (GRCh38, 1-based): chr14:74,259,689, G>C. VCF-style: chr14-74259689-G-C. GRCh37 (hg19) VCF-style: chr14-74726392-G-C.
Other names: short protein forms G223R.
Identifiers: ClinVar variation 2112771 (VCV002112771.4), dbSNP rs755799430, ClinGen allele CA390369313.
Genomic context (GRCh38, chr14:74,259,689, plus strand): 5'-TGGAGGAAGCGGGAGAAGTGCTGGGGCCGGAGCAGTGTCATGGCGGAGTATGGGCTCTAC[G>C]GGGCCATGGTGCGGCACTCCATCCCCCTGCCCGAGTCCATCCTCAAGTCAGCCAAGGATG-3'
Protein context (NP_878314.1, residues 213-233): SSVMAEYGLY[Gly223Arg]AMVRHSIPLP

ClinVar aggregate classification (germline): Pathogenic (1 of 4 stars; one submission).

Conditions:
Isolated microphthalmia 2. Identifiers: Orphanet 2542, MedGen C1864720, MONDO:0012409, OMIM 610093.

Submission:

Labcorp Genetics (formerly Invitae), Labcorp
Classification: Pathogenic for Isolated microphthalmia 2. Last evaluated: 2022-03-15. Review status: criteria provided, single submitter. Criteria: Invitae Variant Classification Sherloc (09022015). Collection method: clinical testing. Allele origin: germline.
Comment: For these reasons, this variant has been classified as Pathogenic. This variant disrupts the p.Gly223 amino acid residue in VSX2. Other variant(s) that disrupt this residue have been determined to be pathogenic (PMID: 21976963). This suggests that this residue is clinically significant, and that variants that disrupt this residue are likely to be disease-causing. Algorithms developed to predict the effect of missense changes on protein structure and function (SIFT, PolyPhen-2, Align-GVGD) all suggest that this variant is likely to be disruptive. A different variant (c.667G>A) giving rise to the same protein effect has been determined to be pathogenic (PMID: 21976963, 24033328, 30181649). This suggests that this variant is also likely to be causative of disease. This variant is not present in population databases (gnomAD no frequency). This sequence change replaces glycine, which is neutral and non-polar, with arginine, which is basic and polar, at codon 223 of the VSX2 protein (p.Gly223Arg).

Literature cited by the submitters: PubMed 21976963; PubMed 24033328; PubMed 30181649.